The following is an entry in ClinVar:

ClinVar aggregate classification (germline): Likely benign. Review status: criteria provided, multiple submitters, no conflicts (2 of 4 stars). 2 submissions from 2 submitters: Likely benign (2). Last evaluated 2022-02-24.

Conditions:
Autosomal dominant limb-girdle muscular dystrophy type 1F (LGMDD2). Also called: MUSCULAR DYSTROPHY, LIMB-GIRDLE, AUTOSOMAL DOMINANT 2; Limb-girdle muscular dystrophy, type 1F. Identifiers: Orphanet 55595, MedGen C1842062, MONDO:0012034, OMIM 608423.

Allele frequency attached by ClinVar (database versions not stated): gnomAD exomes below 0.00001 and 0.00001; TOPMed below 0.00001.
gnomAD v4.1: 2 of 1,614,154 alleles (0.00012%); highest among the groups gnomAD compares: East Asian, 0.0022%; no homozygotes.

Submissions (2):

Labcorp Genetics (formerly Invitae), Labcorp
Classification: Likely benign for Autosomal dominant limb-girdle muscular dystrophy type 1F. Last evaluated: 2022-02-24. Review status: criteria provided, single submitter. Criteria: Invitae Variant Classification Sherloc (09022015). Collection method: clinical testing. Allele origin: germline.

GeneDx
Classification: Likely benign. Last evaluated: 2018-01-11. Review status: criteria provided, single submitter. Criteria: GeneDx Variant Classification (06012015). Collection method: clinical testing. Allele origin: germline. Affected: yes.
Comment: This variant is considered likely benign or benign based on one or more of the following criteria: it is a conservative change, it occurs at a poorly conserved position in the protein, it is predicted to be benign by multiple in silico algorithms, and/or has population frequency not consistent with disease.

NM_012470.4(TNPO3):c.2256G>T (p.Leu752=)

Gene: TNPO3 (transportin 3; minus strand). Cytogenetic location: 7q32.1.
Variant type: single nucleotide variant.
Coding change: c.2256G>T on transcript NM_012470.4 (MANE Select); coding-DNA position 2256, G replaced by T.
Protein change: p.Leu752=; no amino-acid change (leucine 752 retained).
Molecular consequence: synonymous variant. On other transcripts: non-coding transcript variant (18).
Genome position (GRCh38, 1-based): chr7:128,974,885, C>A on the plus strand (G>T on the coding strand, the complement: TNPO3 is on the minus strand). VCF-style: chr7-128974885-C-A. GRCh37 (hg19) VCF-style: chr7-128614939-C-A.
Other names: c.2064G>T, p.Leu688= (NM_001191028.3, NM_001382223.1); c.2358G>T, p.Leu786= (NM_001382216.1); c.2337G>T, p.Leu779= (NM_001382217.1); c.2256G>T, p.Leu752= (NM_001382218.1); c.2148G>T, p.Leu716= (NM_001382219.1); c.2115G>T, p.Leu705= (NM_001382220.1); c.2112G>T, p.Leu704= (NM_001382221.1); c.2109G>T, p.Leu703= (NM_001382222.1).
Identifiers: ClinVar variation 514561 (VCV000514561.10), dbSNP rs1351482070, ClinGen allele CA457577024.
Genomic context (GRCh38, chr7:128,974,885, plus strand): 5'-ATAGGATGAGCAATTAAGAAATGGGCTCTTCAGAAGGATTTACCTGGTGGCTAGCCGGAA[C>A]AGGTCATCTACAGTGTCAGGGTGATTCTGGAGACCATTCTGCTGTTCTAGGAGCTGAAAG-3'
Protein context (NP_036602.1, residues 742-762): LQNHPDTVDD[Leu752=]FRLATRFIQR